The following is an entry in ClinVar:

ClinVar aggregate classification (germline): Uncertain significance. Review status: criteria provided, multiple submitters, no conflicts (2 of 4 stars). 2 submissions from 2 submitters: Uncertain significance (2). Last evaluated 2021-09-01.

Submissions (2):

Quest Diagnostics Nichols Institute San Juan Capistrano
Classification: Uncertain significance. Last evaluated: 2021-09-01. Review status: criteria provided, single submitter. Criteria: Quest Diagnostics criteria. Collection method: clinical testing. Allele origin: unknown.

Labcorp Genetics (formerly Invitae), Labcorp
Classification: Uncertain significance. Last evaluated: 2020-11-27. Review status: criteria provided, single submitter. Criteria: Invitae Variant Classification Sherloc (09022015). Collection method: clinical testing. Allele origin: germline.
Comment: This sequence change replaces leucine with valine at codon 548 of the MSH3 protein (p.Leu548Val). The leucine residue is moderately conserved and there is a small physicochemical difference between leucine and valine. This variant is not present in population databases (ExAC no frequency). This variant has not been reported in the literature in individuals with MSH3-related conditions. Algorithms developed to predict the effect of missense changes on protein structure and function (SIFT, PolyPhen-2, Align-GVGD) all suggest that this variant is likely to be tolerated, but these predictions have not been confirmed by published functional studies and their clinical significance is uncertain. In summary, the available evidence is currently insufficient to determine the role of this variant in disease. Therefore, it has been classified as a Variant of Uncertain Significance.

NM_002439.5(MSH3):c.1642C>G (p.Leu548Val)

Gene: MSH3 (mutS homolog 3; plus strand). Cytogenetic location: 5q14.1.
Variant type: single nucleotide variant.
Coding change: c.1642C>G on transcript NM_002439.5 (MANE Select); coding-DNA position 1642, C replaced by G.
Protein change: p.Leu548Val; replaces leucine 548 with valine.
Molecular consequence: missense variant.
Genome position (GRCh38, 1-based): chr5:80,741,537, C>G. VCF-style: chr5-80741537-C-G. GRCh37 (hg19) VCF-style: chr5-80037356-C-G.
Other names: short protein forms L548V.
Identifiers: ClinVar variation 1058906 (VCV001058906.10), dbSNP rs2112866851, ClinGen allele CA360274577.
Genomic context (GRCh38, chr5:80,741,537, plus strand): 5'-CTATCAAGTAAAATGGAATTTATGACAATTAATGGAACAACATTAAGGAATCTGGAAATC[C>G]TACAGAATCAGGTCAGGCAAATACAAGGGCTAGTTGATTATAAATCGTTTTGGGAAAAAC-3'
Protein context (NP_002430.3, residues 538-558): NGTTLRNLEI[Leu548Val]QNQTDMKTKG